The following is an entry in ClinVar:

NM_000233.4(LHCGR):c.1868A>C (p.Tyr623Ser)

Genes: LHCGR (luteinizing hormone/choriogonadotropin receptor; minus strand), STON1-GTF2A1L (STON1-GTF2A1L readthrough; plus strand). Cytogenetic location: 2p16.3.
Variant type: single nucleotide variant.
Coding change: c.1868A>C on transcript NM_000233.4 (MANE Select); coding-DNA position 1868, A replaced by C.
Protein change: p.Tyr623Ser; replaces tyrosine 623 with serine.
Molecular consequence: missense variant. On other transcripts: intron variant (1).
Genome position (GRCh38, 1-based): chr2:48,687,929, T>G on the plus strand (A>C on the coding strand, the complement: LHCGR is on the minus strand). VCF-style: chr2-48687929-T-G. GRCh37 (hg19) VCF-style: chr2-48915068-T-G.
Other names: c.3441+16249T>G (NM_001198593.2); short protein forms Y623S.
Identifiers: ClinVar variation 1502568 (VCV001502568.3), dbSNP rs1431751529, ClinGen allele CA346744085.
Genomic context (GRCh38, chr2:48,687,929, plus strand): 5'-CAGCCAAATTTGCTCAGCAAAAGAAAGAAATCTCTTTGGAATGTCTTAGTGAATATTGCA[T>G]ACAGAAATGGATTGGCACAAGAATTGATGGGATAAAAAAGAACCAGTAAAACTTTAGAGT-3'
Protein context (NP_000224.2, residues 613-633): PINSCANPFL[Tyr623Ser]AIFTKTFQRD

ClinVar aggregate classification (germline): Uncertain significance (1 of 4 stars; one submission).

Allele frequency attached by ClinVar (database versions not stated): gnomAD exomes below 0.00001 and 0.00001; gnomAD 0.00001.
gnomAD v4.1: 18 of 1,613,968 alleles (0.0011%); highest among the groups gnomAD compares: Non-Finnish European, 0.0014%; no homozygotes.

Submission:

Labcorp Genetics (formerly Invitae), Labcorp
Classification: Uncertain significance. Last evaluated: 2021-12-15. Review status: criteria provided, single submitter. Criteria: Invitae Variant Classification Sherloc (09022015). Collection method: clinical testing. Allele origin: germline.
Comment: This sequence change replaces tyrosine, which is neutral and polar, with serine, which is neutral and polar, at codon 623 of the LHCGR protein (p.Tyr623Ser). This variant is present in population databases (no rsID available, gnomAD 0.0009%). This variant has not been reported in the literature in individuals affected with LHCGR-related conditions. Advanced modeling of protein sequence and biophysical properties (such as structural, functional, and spatial information, amino acid conservation, physicochemical variation, residue mobility, and thermodynamic stability) performed at Invitae indicates that this missense variant is expected to disrupt LHCGR protein function. In summary, the available evidence is currently insufficient to determine the role of this variant in disease. Therefore, it has been classified as a Variant of Uncertain Significance.